The following is an entry in ClinVar:

ClinVar aggregate classification (germline): Benign/Likely benign. Review status: criteria provided, multiple submitters, no conflicts (2 of 4 stars). 3 submissions from 3 submitters: Benign (1); Likely benign (1). 1 of the submissions does not count toward it. Last evaluated 2024-08-05.

Conditions:
ARFGEF2-related disorder. Also called: ARFGEF2-related condition.

Allele frequency attached by ClinVar (database versions not stated): gnomAD 0.00004 and 0.00013; TOPMed 0.00004; ESP Exome Variant Server 0.00008; ExAC 0.00039; 1000 Genomes Project 30x 0.00047; 1000 Genomes Project 0.00060.
gnomAD v4.1: 288 of 1,614,008 alleles (0.018%); highest among the groups gnomAD compares: South Asian, 0.24%; no homozygotes.

Submissions (3):

Labcorp Genetics (formerly Invitae), Labcorp
Classification: Benign. Last evaluated: 2024-08-05. Review status: criteria provided, single submitter. Criteria: Invitae Variant Classification Sherloc (09022015). Collection method: clinical testing. Allele origin: germline.

GeneDx
Classification: Likely benign. Last evaluated: 2020-04-21. Review status: criteria provided, single submitter. Criteria: GeneDx Variant Classification Process June 2021. Collection method: clinical testing. Allele origin: germline. Affected: yes.

PreventionGenetics, part of Exact Sciences
Classification: Likely benign for ARFGEF2-related condition. Last evaluated: 2021-06-22. Review status: no assertion criteria provided. Collection method: clinical testing. Allele origin: germline. Not counted in ClinVar's aggregate classification.
Comment: This variant is classified as likely benign based on ACMG/AMP sequence variant interpretation guidelines (Richards et al. 2015 PMID: 25741868, with internal and published modifications).

NM_006420.3(ARFGEF2):c.4212C>T (p.His1404=)

Gene: ARFGEF2 (ARF guanine nucleotide exchange factor 2; plus strand). Cytogenetic location: 20q13.13.
Variant type: single nucleotide variant.
Coding change: c.4212C>T on transcript NM_006420.3 (MANE Select); coding-DNA position 4212, C replaced by T.
Protein change: p.His1404=; no amino-acid change (histidine 1404 retained).
Molecular consequence: synonymous variant.
Genome position (GRCh38, 1-based): chr20:49,016,312, C>T. VCF-style: chr20-49016312-C-T. GRCh37 (hg19) VCF-style: chr20-47632849-C-T.
Identifiers: ClinVar variation 383707 (VCV000383707.10), dbSNP rs376257322, ClinGen allele CA9899159.